The following is an entry in ClinVar:

NM_014239.4(EIF2B2):c.380C>G (p.Ala127Gly)

Gene: EIF2B2 (eukaryotic translation initiation factor 2B subunit beta; plus strand). Cytogenetic location: 14q24.3.
Variant type: single nucleotide variant.
Coding change: c.380C>G on transcript NM_014239.4 (MANE Select); coding-DNA position 380, C replaced by G.
Protein change: p.Ala127Gly; replaces alanine 127 with glycine.
Molecular consequence: missense variant.
Genome position (GRCh38, 1-based): chr14:75,003,646, C>G. VCF-style: chr14-75003646-C-G. GRCh37 (hg19) VCF-style: chr14-75470349-C-G.
Other names: short protein forms A127G.
Identifiers: ClinVar variation 1977392 (VCV001977392.3), dbSNP rs150617429, ClinGen allele CA7274876.

ClinVar aggregate classification (germline): Uncertain significance (1 of 4 stars; one submission).

gnomAD v4.1: 3 of 1,614,068 alleles (0.00019%); highest among the groups gnomAD compares: Non-Finnish European, 0.00025%; no homozygotes.

Submission:

Labcorp Genetics (formerly Invitae), Labcorp
Classification: Uncertain significance. Last evaluated: 2023-08-04. Review status: criteria provided, single submitter. Criteria: Invitae Variant Classification Sherloc (09022015). Collection method: clinical testing. Allele origin: germline.
Comment: In summary, the available evidence is currently insufficient to determine the role of this variant in disease. Therefore, it has been classified as a Variant of Uncertain Significance. Advanced modeling of protein sequence and biophysical properties (such as structural, functional, and spatial information, amino acid conservation, physicochemical variation, residue mobility, and thermodynamic stability) performed at Invitae indicates that this missense variant is not expected to disrupt EIF2B2 protein function. ClinVar contains an entry for this variant (Variation ID: 1977392). This variant has not been reported in the literature in individuals affected with EIF2B2-related conditions. This variant is present in population databases (rs150617429, gnomAD 0.002%). This sequence change replaces alanine, which is neutral and non-polar, with glycine, which is neutral and non-polar, at codon 127 of the EIF2B2 protein (p.Ala127Gly).